The following is an entry in ClinVar:

ClinVar aggregate classification (germline): Uncertain significance (1 of 4 stars; one submission).

Allele frequency attached by ClinVar (database versions not stated): TOPMed below 0.00001; gnomAD exomes 0.00001.
gnomAD v4.1: 6 of 1,611,154 alleles (0.00037%); highest among the groups gnomAD compares: Non-Finnish European, 0.00051%; no homozygotes.

Submission:

Labcorp Genetics (formerly Invitae), Labcorp
Classification: Uncertain significance. Last evaluated: 2022-04-01. Review status: criteria provided, single submitter. Criteria: Invitae Variant Classification Sherloc (09022015). Collection method: clinical testing. Allele origin: germline.
Comment: Algorithms developed to predict the effect of sequence changes on RNA splicing suggest that this variant may disrupt the consensus splice site. In summary, the available evidence is currently insufficient to determine the role of this variant in disease. Therefore, it has been classified as a Variant of Uncertain Significance. This variant has not been reported in the literature in individuals affected with NLRP1-related conditions. This variant is not present in population databases (gnomAD no frequency). This sequence change affects a donor splice site in intron 3 of the NLRP1 gene. It is expected to disrupt RNA splicing. Variants that disrupt the donor or acceptor splice site typically lead to a loss of protein function (PMID: 16199547), however the current clinical and genetic evidence is not sufficient to establish whether loss-of-function variants in NLRP1 cause disease.

Literature cited by the submitters: PubMed 16199547.

NM_033004.4(NLRP1):c.652+1G>A

Gene: NLRP1 (NLR family pyrin domain containing 1; minus strand). Cytogenetic location: 17p13.2.
Variant type: single nucleotide variant.
Coding change: c.652+1G>A on transcript NM_033004.4 (MANE Select); the canonical splice donor site of the intron after coding-DNA position 652, G replaced by A.
Molecular consequence: splice donor variant.
Genome position (GRCh38, 1-based): chr17:5,581,858, C>T on the plus strand (G>A on the coding strand, the complement: NLRP1 is on the minus strand). VCF-style: chr17-5581858-C-T. GRCh37 (hg19) VCF-style: chr17-5485178-C-T.
Other names: c.652+1G>A (NM_001033053.3, NM_033007.4, NM_033006.4 and 1 more transcripts).
Identifiers: ClinVar variation 2172126 (VCV002172126.4), dbSNP rs1905690511, ClinGen allele CA397389520.